The following is an entry in ClinVar:

ClinVar aggregate classification (germline): Pathogenic (1 of 4 stars; one submission).

Conditions:
Angelman syndrome-like. Identifiers: MedGen CN128785.
Developmental and epileptic encephalopathy, 2 (DEE2). Also called: INFANTILE SPASM SYNDROME, X-LINKED 2; CDKL5 deficiency disorder. Identifiers: Orphanet 1934, Orphanet 3451, Orphanet 505652, MedGen C4750718, MONDO:0010396, OMIM 300672.

Submission:

Labcorp Genetics (formerly Invitae), Labcorp
Classification: Pathogenic for Developmental and epileptic encephalopathy, 2; Angelman syndrome-like. Last evaluated: 2021-10-28. Review status: criteria provided, single submitter. Criteria: Invitae Variant Classification Sherloc (09022015). Collection method: clinical testing. Allele origin: germline.
Comment: This sequence change replaces valine, which is neutral and non-polar, with methionine, which is neutral and non-polar, at codon 73 of the CDKL5 protein (p.Val73Met). For these reasons, this variant has been classified as Pathogenic. Advanced modeling of protein sequence and biophysical properties (such as structural, functional, and spatial information, amino acid conservation, physicochemical variation, residue mobility, and thermodynamic stability) performed at Invitae indicates that this missense variant is expected to disrupt CDKL5 protein function. ClinVar contains an entry for this variant (Variation ID: 1052408). This missense change has been observed in individual(s) with clinical features of CDKL5-related conditions (Invitae). In at least one individual the variant was observed to be de novo. This variant is not present in population databases (gnomAD no frequency).

NM_001323289.2(CDKL5):c.217G>A (p.Val73Met)

Gene: CDKL5 (cyclin dependent kinase like 5; plus strand). Cytogenetic location: Xp22.13.
Variant type: single nucleotide variant.
Coding change: c.217G>A on transcript NM_001323289.2 (MANE Select); coding-DNA position 217, G replaced by A.
Protein change: p.Val73Met; replaces valine 73 with methionine.
Molecular consequence: missense variant.
Genome position (GRCh38, 1-based): chrX:18,575,425, G>A. VCF-style: chrX-18575425-G-A. GRCh37 (hg19) VCF-style: chrX-18593545-G-A.
Other names: c.217G>A, p.Val73Met (NM_001037343.2, NM_003159.3); short protein forms V73M.
Identifiers: ClinVar variation 1052408 (VCV001052408.7), dbSNP rs2147139605, ClinGen allele CA412348681.